The following is an entry in ClinVar:

NM_001942.4(DSG1):c.382C>T (p.Arg128Ter)

Gene: DSG1 (desmoglein 1; plus strand). Cytogenetic location: 18q12.1.
Variant type: single nucleotide variant.
Coding change: c.382C>T on transcript NM_001942.4 (MANE Select); coding-DNA position 382, C replaced by T.
Protein change: p.Arg128Ter; replaces arginine 128 with a stop codon.
Molecular consequence: nonsense.
Genome position (GRCh38, 1-based): chr18:31,329,901, C>T. VCF-style: chr18-31329901-C-T. GRCh37 (hg19) VCF-style: chr18-28909864-C-T.
Other names: c.382C>T (NM_001942.2); short protein forms R128*.
Identifiers: ClinVar variation 2915519 (VCV002915519.4), dbSNP rs1268442199, ClinGen allele CA402128473.

ClinVar aggregate classification (germline): Pathogenic. Review status: criteria provided, multiple submitters, no conflicts (2 of 4 stars). 2 submissions from 2 submitters: Pathogenic (2). Last evaluated 2023-12-19.

Allele frequency attached by ClinVar (database versions not stated): gnomAD exomes below 0.00001.
gnomAD v4.1: 2 of 1,613,074 alleles (0.00012%); highest among the groups gnomAD compares: Non-Finnish European, 0.00017%; no homozygotes.

Submissions (2):

Labcorp Genetics (formerly Invitae), Labcorp
Classification: Pathogenic. Last evaluated: 2023-12-19. Review status: criteria provided, single submitter. Criteria: Invitae Variant Classification Sherloc (09022015). Collection method: clinical testing. Allele origin: germline.
Comment: This sequence change creates a premature translational stop signal (p.Arg128*) in the DSG1 gene. It is expected to result in an absent or disrupted protein product. Loss-of-function variants in DSG1 are known to be pathogenic (PMID: 19018793, 23974871, 27534273, 27632246, 29604126). This variant is not present in population databases (gnomAD no frequency). This premature translational stop signal has been observed in individual(s) with DSG1-related conditions (PMID: 33539609). For these reasons, this variant has been classified as Pathogenic.

GeneDx
Classification: Pathogenic. Last evaluated: 2023-04-10. Review status: criteria provided, single submitter. Criteria: GeneDx Variant Classification Process June 2021. Collection method: clinical testing. Allele origin: germline. Affected: yes.
Comment: Nonsense variant predicted to result in protein truncation or nonsense mediated decay in a gene for which loss of function is a known mechanism of disease; Not observed at significant frequency in large population cohorts (gnomAD); This variant is associated with the following publications: (PMID: 33539609, 30451323)

Literature cited by the submitters: PubMed 19018793 (cited by Labcorp Genetics (formerly Invitae), Labcorp); PubMed 23974871 (cited by Labcorp Genetics (formerly Invitae), Labcorp); PubMed 27534273 (cited by Labcorp Genetics (formerly Invitae), Labcorp); PubMed 27632246 (cited by Labcorp Genetics (formerly Invitae), Labcorp); PubMed 29604126 (cited by Labcorp Genetics (formerly Invitae), Labcorp); PubMed 33539609 (cited by Labcorp Genetics (formerly Invitae), Labcorp).